The following is an entry in ClinVar:

NM_001365276.2(TNXB):c.1806C>A (p.Asp602Glu)

Gene: TNXB (tenascin XB; minus strand). Cytogenetic location: 6p21.33.
Variant type: single nucleotide variant.
Coding change: c.1806C>A on transcript NM_001365276.2 (MANE Select); coding-DNA position 1806, C replaced by A.
Protein change: p.Asp602Glu; replaces aspartic acid 602 with glutamic acid.
Molecular consequence: missense variant.
Genome position (GRCh38, 1-based): chr6:32,096,047, G>T on the plus strand (C>A on the coding strand, the complement: TNXB is on the minus strand). VCF-style: chr6-32096047-G-T. GRCh37 (hg19) VCF-style: chr6-32063824-G-T.
Other names: c.1806C>A, p.Asp602Glu (NM_019105.8); short protein forms D602E.
Identifiers: ClinVar variation 1709154 (VCV001709154.2), dbSNP rs2483753440, ClinGen allele CA363477237.

ClinVar aggregate classification (germline): Uncertain significance (1 of 4 stars; one submission).

Conditions:
Ehlers-Danlos syndrome due to tenascin-X deficiency (EDSCLL1). Also called: EHLERS-DANLOS SYNDROME, CLASSIC-LIKE; Ehlers-Danlos syndrome, classic-like, 1; TNX DEFICIENCY; TNXB-Related Classical-Like Ehlers-Danlos Syndrome; EDS DUE TO TNX DEFICIENCY. Identifiers: Orphanet 230839, MedGen C1848029, MONDO:0011670, OMIM 606408.

Submission:

MGZ Medical Genetics Center
Classification: Uncertain significance for Ehlers-Danlos syndrome due to tenascin-X deficiency. Last evaluated: 2022-02-15. Review status: criteria provided, single submitter. Criteria: ACMG Guidelines, 2015. Collection method: clinical testing. Allele origin: germline. Affected: yes. Observed: 1 variant allele.
Comment: ACMG criteria applied: PM2_SUP, BP4